The following is an entry in ClinVar:

NM_004341.5(CAD):c.4634T>G (p.Leu1545Trp)

Gene: CAD (carbamoyl-phosphate synthetase 2, aspartate transcarbamylase, and dihydroorotase; plus strand). Cytogenetic location: 2p23.3.
Variant type: single nucleotide variant.
Coding change: c.4634T>G on transcript NM_004341.5 (MANE Select); coding-DNA position 4634, T replaced by G.
Protein change: p.Leu1545Trp; replaces leucine 1545 with tryptophan.
Molecular consequence: missense variant.
Genome position (GRCh38, 1-based): chr2:27,237,788, T>G. VCF-style: chr2-27237788-T-G. GRCh37 (hg19) VCF-style: chr2-27460656-T-G.
Other names: c.4634T>G (NM_004341.3); c.4445T>G, p.Leu1482Trp (NM_001306079.2); short protein forms L1482W, L1545W.
Identifiers: ClinVar variation 2129805 (VCV002129805.2), dbSNP rs2465346993, ClinGen allele CA346221089.
Genomic context (GRCh38, chr2:27,237,788, plus strand): 5'-CTGGCGCCCGGTGCGACTTTGCGCTATTCCTTGGGGCCTCGTCTGAAAATGCAGGAACCT[T>G]GGGCACCGTGGCCGGGTCTGCAGCCGGGCTGAAGCTTTACCTCAATGAGACCTTCTCTGA-3'
Protein context (NP_004332.2, residues 1535-1555): LGASSENAGT[Leu1545Trp]GTVAGSAAGL

ClinVar aggregate classification (germline): Uncertain significance. Review status: criteria provided, multiple submitters, no conflicts (2 of 4 stars). 2 submissions from 2 submitters: Uncertain significance (2). Last evaluated 2025-04-17.

gnomAD v4.1: 3 of 1,614,226 alleles (0.00019%); highest among the groups gnomAD compares: South Asian, 0.0033%; no homozygotes.

Submissions (2):

GeneDx
Classification: Uncertain significance. Last evaluated: 2025-04-17. Review status: criteria provided, single submitter. Criteria: GeneDx Variant Classification Process June 2021. Collection method: clinical testing. Allele origin: germline. Affected: yes.
Comment: Not observed at significant frequency in large population cohorts (gnomAD); In silico analysis supports that this missense variant has a deleterious effect on protein structure/function; Has not been previously published as pathogenic or benign to our knowledge

Labcorp Genetics (formerly Invitae), Labcorp
Classification: Uncertain significance. Last evaluated: 2022-04-23. Review status: criteria provided, single submitter. Criteria: Invitae Variant Classification Sherloc (09022015). Collection method: clinical testing. Allele origin: germline.
Comment: This sequence change replaces leucine, which is neutral and non-polar, with tryptophan, which is neutral and slightly polar, at codon 1545 of the CAD protein (p.Leu1545Trp). This variant is not present in population databases (gnomAD no frequency). This variant has not been reported in the literature in individuals affected with CAD-related conditions. Algorithms developed to predict the effect of missense changes on protein structure and function are either unavailable or do not agree on the potential impact of this missense change (SIFT: "Deleterious"; PolyPhen-2: "Probably Damaging"; Align-GVGD: "Class C0"). In summary, the available evidence is currently insufficient to determine the role of this variant in disease. Therefore, it has been classified as a Variant of Uncertain Significance.